The following is an entry in ClinVar:

ClinVar aggregate classification (germline): Uncertain significance (1 of 4 stars; one submission).

Allele frequency attached by ClinVar (database versions not stated): gnomAD exomes 0.00001.
gnomAD v4.1: 9 of 1,614,086 alleles (0.00056%); highest among the groups gnomAD compares: Non-Finnish European, 0.00076%; no homozygotes.

Submission:

Labcorp Genetics (formerly Invitae), Labcorp
Classification: Uncertain significance. Last evaluated: 2023-05-22. Review status: criteria provided, single submitter. Criteria: Invitae Variant Classification Sherloc (09022015). Collection method: clinical testing. Allele origin: germline.
Comment: Advanced modeling of protein sequence and biophysical properties (such as structural, functional, and spatial information, amino acid conservation, physicochemical variation, residue mobility, and thermodynamic stability) performed at Invitae indicates that this missense variant is expected to disrupt CTNNB1 protein function. In summary, the available evidence is currently insufficient to determine the role of this variant in disease. Therefore, it has been classified as a Variant of Uncertain Significance. ClinVar contains an entry for this variant (Variation ID: 2109906). This variant has not been reported in the literature in individuals affected with CTNNB1-related conditions. This variant is not present in population databases (gnomAD no frequency). This sequence change replaces asparagine, which is neutral and polar, with aspartic acid, which is acidic and polar, at codon 586 of the CTNNB1 protein (p.Asn586Asp).

NM_001904.4(CTNNB1):c.1756A>G (p.Asn586Asp)

Gene: CTNNB1 (catenin beta 1; plus strand). Cytogenetic location: 3p22.1.
Variant type: single nucleotide variant.
Coding change: c.1756A>G on transcript NM_001904.4 (MANE Select); coding-DNA position 1756, A replaced by G.
Protein change: p.Asn586Asp; replaces asparagine 586 with aspartic acid.
Molecular consequence: missense variant.
Genome position (GRCh38, 1-based): chr3:41,235,796, A>G. VCF-style: chr3-41235796-A-G. GRCh37 (hg19) VCF-style: chr3-41277287-A-G.
Other names: c.1756A>G, p.Asn586Asp (NM_001098209.2, NM_001098210.2); c.1735A>G, p.Asn579Asp (NM_001330729.2); short protein forms N579D, N586D.
Identifiers: ClinVar variation 2109906 (VCV002109906.4), dbSNP rs763836725, ClinGen allele CA74096153.